The following is an entry in ClinVar:

ClinVar aggregate classification (germline): Conflicting classifications of pathogenicity. Review status: criteria provided, conflicting classifications (1 of 4 stars). 5 submissions from 5 submitters: Pathogenic (1); Likely pathogenic (1); Uncertain significance (2). 1 of the submissions does not count toward it. Last evaluated 2024-06-04.

Conditions:
Decreased circulating carnitine concentration. Also called: Decreased plasma carnitine. Identifiers: MedGen C5848230, HP:0003234.
Renal carnitine transport defect (CDSP). Also called: Carnitine Deficiency, Systemic; Primary carnitine deficiency; Systemic primary carnitine deficiency; Systemic primary carnitine deficiency disease; CARNITINE DEFICIENCY, SYSTEMIC, DUE TO DEFECT IN RENAL REABSORPTION OF CARNITINE; CARNITINE TRANSPORTER, PLASMA-MEMBRANE, DEFICIENCY OF. Identifiers: Orphanet 158, MedGen C0342788, MONDO:0008919, OMIM 212140.

Allele frequency attached by ClinVar (database versions not stated): gnomAD exomes below 0.00001; TOPMed below 0.00001.

Submissions (5):

Fulgent Genetics
Classification: Likely pathogenic for Renal carnitine transport defect. Last evaluated: 2024-06-04. Review status: criteria provided, single submitter. Criteria: ACMG Guidelines, 2015. Collection method: clinical testing. Allele origin: germline.

Labcorp Genetics (formerly Invitae), Labcorp
Classification: Pathogenic for Renal carnitine transport defect. Last evaluated: 2024-02-02. Review status: criteria provided, single submitter. Criteria: Invitae Variant Classification Sherloc (09022015). Collection method: clinical testing. Allele origin: germline.
Comment: This sequence change replaces glutamine, which is neutral and polar, with glutamic acid, which is acidic and polar, at codon 180 of the SLC22A5 protein (p.Gln180Glu). This variant is present in population databases (no rsID available, gnomAD 0.006%). This missense change has been observed in individual(s) with primary carnitine deficiency (PMID: 32371215, 33181153). ClinVar contains an entry for this variant (Variation ID: 576364). Advanced modeling of protein sequence and biophysical properties (such as structural, functional, and spatial information, amino acid conservation, physicochemical variation, residue mobility, and thermodynamic stability) performed at Invitae indicates that this missense variant is expected to disrupt SLC22A5 protein function with a positive predictive value of 95%. For these reasons, this variant has been classified as Pathogenic.

Giacomini Lab, University of California, San Francisco
Classification: Uncertain significance for Renal carnitine transport defect. Last evaluated: 2022-10-03. Review status: criteria provided, single submitter. Criteria: ACMG Guidelines, 2015. Collection method: research, in vitro. Allele origin: germline, not applicable.

Myriad Genetics, Inc.
Classification: Uncertain significance for Renal carnitine transport defect. Last evaluated: 2021-11-11. Review status: criteria provided, single submitter. Criteria: Myriad Women's Health Autosomal Recessive and X-Linked Classification Criteria (2021). Collection method: clinical testing. Allele origin: unknown.
Comment: NM_003060.3(SLC22A5):c.538C>G(Q180E) is a missense variant classified as a variant of uncertain significance in the context of primary carnitine deficiency. Q180E has been observed in cases with relevant disease (PMID: 32371215, 33181153). Functional assessments of this variant are not available in the literature. Q180E has been observed in population frequency databases (gnomAD: EAS 0.006%). In summary, there is insufficient evidence to classify NM_003060.3(SLC22A5):c.538C>G(Q180E) as pathogenic or benign. Please note: this variant was assessed in the context of healthy population screening.

Natera, Inc.
Classification: Uncertain significance for Carnitine deficiency. Last evaluated: 2020-03-17. Review status: no assertion criteria provided. Collection method: clinical testing. Allele origin: germline. Not counted in ClinVar's aggregate classification.

Literature cited by the submitters: PubMed 32371215 (cited by Labcorp Genetics (formerly Invitae), Labcorp and Myriad Genetics, Inc.); PubMed 33181153 (cited by Labcorp Genetics (formerly Invitae), Labcorp and Myriad Genetics, Inc.).

NM_003060.4(SLC22A5):c.538C>G (p.Gln180Glu)

Gene: SLC22A5 (solute carrier family 22 member 5; plus strand). Cytogenetic location: 5q31.1.
Variant type: single nucleotide variant.
Coding change: c.538C>G on transcript NM_003060.4 (MANE Select); coding-DNA position 538, C replaced by G.
Protein change: p.Gln180Glu; replaces glutamine 180 with glutamic acid.
Molecular consequence: missense variant.
Genome position (GRCh38, 1-based): chr5:132,384,187, C>G. VCF-style: chr5-132384187-C-G. GRCh37 (hg19) VCF-style: chr5-131719879-C-G.
Other names: p.Gln180Glu; c.610C>G, p.Gln204Glu (NM_001308122.2); short protein forms Q180E, Q204E.
Identifiers: ClinVar variation 576364 (VCV000576364.20), dbSNP rs1437174685, ClinGen allele CA360804653.